The following is an entry in ClinVar:

NM_004972.4(JAK2):c.700C>T (p.Arg234Cys)

Genes: INSL6 (insulin like 6; minus strand), JAK2 (Janus kinase 2; plus strand). Cytogenetic location: 9p24.1.
Variant type: single nucleotide variant.
Coding change: c.700C>T on transcript NM_004972.4 (MANE Select); coding-DNA position 700, C replaced by T.
Protein change: p.Arg234Cys; replaces arginine 234 with cysteine.
Molecular consequence: missense variant. On other transcripts: 5 prime UTR variant (2), non-coding transcript variant (2).
Genome position (GRCh38, 1-based): chr9:5,054,648, C>T. VCF-style: chr9-5054648-C-T. GRCh37 (hg19) VCF-style: chr9-5054648-C-T.
Other names: c.700C>T, p.Arg234Cys (NM_001322194.2, NM_001322195.2, NM_001322196.2); c.-421C>T (NM_001322198.2, NM_001322199.2); c.253C>T, p.Arg85Cys (NM_001322204.2); short protein forms R234C, R85C.
Identifiers: ClinVar variation 2977497 (VCV002977497.4), dbSNP rs765286468, ClinGen allele CA4971652.

ClinVar aggregate classification (germline): Uncertain significance. Review status: criteria provided, single submitter (1 of 4 stars). 2 submissions from 2 submitters: Uncertain significance (1). 1 of the submissions does not count toward it. Last evaluated 2023-05-03.

Conditions:
JAK2-related disorder. Also called: JAK2-related condition.

Allele frequency attached by ClinVar (database versions not stated): gnomAD exomes 0.00001; ExAC 0.00004.
gnomAD v4.1: 15 of 1,613,214 alleles (0.00093%); highest among the groups gnomAD compares: Admixed American, 0.0017%; no homozygotes.

Submissions (2):

Labcorp Genetics (formerly Invitae), Labcorp
Classification: Uncertain significance. Last evaluated: 2023-05-03. Review status: criteria provided, single submitter. Criteria: Invitae Variant Classification Sherloc (09022015). Collection method: clinical testing. Allele origin: germline.
Comment: In summary, the available evidence is currently insufficient to determine the role of this variant in disease. Therefore, it has been classified as a Variant of Uncertain Significance. Advanced modeling of protein sequence and biophysical properties (such as structural, functional, and spatial information, amino acid conservation, physicochemical variation, residue mobility, and thermodynamic stability) performed at Invitae indicates that this missense variant is not expected to disrupt JAK2 protein function. This variant has not been reported in the literature in individuals affected with JAK2-related conditions. This variant is present in population databases (rs765286468, gnomAD 0.005%). This sequence change replaces arginine, which is basic and polar, with cysteine, which is neutral and slightly polar, at codon 234 of the JAK2 protein (p.Arg234Cys).

PreventionGenetics, part of Exact Sciences
Classification: Uncertain significance for JAK2-related condition. Last evaluated: 2024-03-21. Review status: no assertion criteria provided. Collection method: clinical testing. Allele origin: germline. Not counted in ClinVar's aggregate classification.
Comment: The JAK2 c.700C>T variant is predicted to result in the amino acid substitution p.Arg234Cys. To our knowledge, this variant has not been reported in the literature. This variant is reported in 0.0053% of alleles in individuals of European (Non-Finnish) descent in gnomAD. At this time, the clinical significance of this variant is uncertain due to the absence of conclusive functional and genetic evidence.